The following is an entry in ClinVar:

NM_000230.3(LEP):c.441G>A (p.Leu147=)

Gene: LEP (leptin; plus strand). Cytogenetic location: 7q32.1.
Variant type: single nucleotide variant.
Coding change: c.441G>A on transcript NM_000230.3 (MANE Select); coding-DNA position 441, G replaced by A.
Protein change: p.Leu147=; no amino-acid change (leucine 147 retained).
Molecular consequence: synonymous variant.
Genome position (GRCh38, 1-based): chr7:128,254,700, G>A. VCF-style: chr7-128254700-G-A. GRCh37 (hg19) VCF-style: chr7-127894753-G-A.
Identifiers: ClinVar variation 3355895 (VCV003355895.2).

ClinVar aggregate classification (germline): Uncertain significance. Review status: criteria provided, single submitter (1 of 4 stars). 2 submissions from 2 submitters: Uncertain significance (1). 1 of the submissions does not count toward it. Last evaluated 2024-11-11.

Conditions:
LEP-related disorder. Also called: LEP-related condition.

gnomAD v4.1: 4 of 1,613,838 alleles (0.00025%); highest among the groups gnomAD compares: Admixed American, 0.0017%; no homozygotes.

Submissions (2):

GeneDx
Classification: Uncertain significance. Last evaluated: 2024-11-11. Review status: criteria provided, single submitter. Criteria: GeneDx Variant Classification Process June 2021. Collection method: clinical testing. Allele origin: germline. Affected: yes.
Comment: Not observed at significant frequency in large population cohorts (gnomAD); In silico analysis indicates that this variant does not alter splicing; Has not been previously published as pathogenic or benign to our knowledge

PreventionGenetics, part of Exact Sciences
Classification: Likely benign for LEP-related condition. Last evaluated: 2023-05-01. Review status: no assertion criteria provided. Collection method: clinical testing. Allele origin: germline. Not counted in ClinVar's aggregate classification.
Comment: This variant is classified as likely benign based on ACMG/AMP sequence variant interpretation guidelines (Richards et al. 2015 PMID: 25741868, with internal and published modifications).